The following is an entry in ClinVar:

NM_020937.4(FANCM):c.5219A>G (p.Asp1740Gly)

Gene: FANCM (FA complementation group M; plus strand). Cytogenetic location: 14q21.2.
Variant type: single nucleotide variant.
Coding change: c.5219A>G on transcript NM_020937.4 (MANE Select); coding-DNA position 5219, A replaced by G.
Protein change: p.Asp1740Gly; replaces aspartic acid 1740 with glycine.
Molecular consequence: missense variant.
Genome position (GRCh38, 1-based): chr14:45,189,241, A>G. VCF-style: chr14-45189241-A-G. GRCh37 (hg19) VCF-style: chr14-45658444-A-G.
Other names: c.5141A>G, p.Asp1714Gly (NM_001308133.2); short protein forms D1714G, D1740G.
Identifiers: ClinVar variation 1338086 (VCV001338086.4), dbSNP rs2139297887, ClinGen allele CA389613015.

ClinVar aggregate classification (germline): Uncertain significance (1 of 4 stars; one submission).

Submission:

Genetic Services Laboratory, University of Chicago
Classification: Uncertain significance. Last evaluated: 2021-09-21. Review status: criteria provided, single submitter. Criteria: ACMG Guidelines, 2015. Collection method: clinical testing. Allele origin: germline. Affected: no.
Comment: DNA sequence analysis of the FANCM gene demonstrated a sequence change, c.5219A>G, in exon 20 that results in an amino acid change, p.Asp1740Gly. This sequence change does not appear to have been previously described in individuals with FANCM-related disorders and it has not been described in population databases including ExAC and gnomAD. The p.Asp1740Gly change affects a poorly conserved amino acid residue located in a domain of the FANCM protein that is not known to be functional. The p.Asp1740Gly substitution appears to be benign using several in-silico pathogenicity prediction tools (SIFT, PolyPhen2, Align GVGD, REVEL). Due to insufficient evidences and the lack of functional studies, the clinical significance of the p.Asp1740Gly change remains unknown at this time.